The following is an entry in ClinVar:

NM_005502.4(ABCA1):c.2294T>G (p.Val765Gly)

Gene: ABCA1 (ATP binding cassette subfamily A member 1; minus strand). Cytogenetic location: 9q31.1.
Variant type: single nucleotide variant.
Coding change: c.2294T>G on transcript NM_005502.4 (MANE Select); coding-DNA position 2294, T replaced by G.
Protein change: p.Val765Gly; replaces valine 765 with glycine.
Molecular consequence: missense variant.
Genome position (GRCh38, 1-based): chr9:104,826,991, A>C on the plus strand (T>G on the coding strand, the complement: ABCA1 is on the minus strand). VCF-style: chr9-104826991-A-C. GRCh37 (hg19) VCF-style: chr9-107589272-A-C.
Other names: short protein forms V765G.
Identifiers: ClinVar variation 5033806 (VCV005033806.1).

ClinVar aggregate classification (germline): Uncertain significance (1 of 4 stars; one submission).

Conditions:
Cardiovascular phenotype. Identifiers: MedGen CN230736.

gnomAD v4.1: 1 of 1,614,198 alleles (0.000062%); highest among the groups gnomAD compares: Non-Finnish European, 0.000085%; no homozygotes.

Submission:

Ambry Genetics
Classification: Uncertain significance for Cardiovascular phenotype. Last evaluated: 2026-08-16. Review status: criteria provided, single submitter. Criteria: Ambry Variant Classification Scheme 2023. Collection method: clinical testing. Allele origin: germline.
Comment: The p.V765G variant (also known as c.2294T>G), located in coding exon 15 of the ABCA1 gene, results from a T to G substitution at nucleotide position 2294. The valine at codon 765 is replaced by glycine, an amino acid with dissimilar properties. This amino acid position is conserved. In addition, this alteration is predicted to be deleterious by in silico analysis. Based on the available evidence, the clinical significance of this variant remains unclear.